The following is an entry in ClinVar:

ClinVar aggregate classification (germline): Likely benign. Review status: criteria provided, multiple submitters, no conflicts (2 of 4 stars). 4 submissions from 4 submitters: Likely benign (4). Last evaluated 2026-08-01.

Conditions:
Inborn genetic diseases. Identifiers: MedGen C0950123, MeSH D030342.

Allele frequency attached by ClinVar (database versions not stated): gnomAD 0.00005 and 0.00006; gnomAD exomes 0.00005 and 0.00010.

Submissions (4):

CeGaT Center for Human Genetics Tuebingen
Classification: Likely benign. Last evaluated: 2026-08-01. Review status: criteria provided, single submitter. Criteria: CeGaT Center For Human Genetics Tuebingen Variant Classification Criteria Version 2. Collection method: clinical testing. Allele origin: germline. Affected: yes. Observed: 3 variant alleles.
Comment: ARID1B: BS2

Labcorp Genetics (formerly Invitae), Labcorp
Classification: Likely benign. Last evaluated: 2025-12-24. Review status: criteria provided, single submitter. Criteria: Invitae Variant Classification Sherloc (09022015). Collection method: clinical testing. Allele origin: germline.

Blueprint Genetics
Classification: Likely benign. Last evaluated: 2024-08-22. Review status: criteria provided, single submitter. Criteria: ACMG Guidelines, 2015. Collection method: clinical testing. Allele origin: germline.

Ambry Genetics
Classification: Likely benign for Inborn genetic diseases. Last evaluated: 2022-12-21. Review status: criteria provided, single submitter. Criteria: Ambry Variant Classification Scheme 2023. Collection method: clinical testing. Allele origin: germline.

NM_001374828.1(ARID1B):c.1147G>A (p.Gly383Ser)

Gene: ARID1B (AT-rich interaction domain 1B; plus strand). Cytogenetic location: 6q25.3.
Variant type: single nucleotide variant.
Coding change: c.1147G>A on transcript NM_001374828.1 (MANE Select); coding-DNA position 1147, G replaced by A.
Protein change: p.Gly383Ser; replaces glycine 383 with serine.
Molecular consequence: missense variant.
Genome position (GRCh38, 1-based): chr6:156,778,827, G>A. VCF-style: chr6-156778827-G-A. GRCh37 (hg19) VCF-style: chr6-157099961-G-A.
Other names: c.898G>A (NM_020732.3); c.1147G>A, p.Gly383Ser (NM_001371656.1, NM_001374820.1, NM_017519.3); short protein forms G383S.
Identifiers: ClinVar variation 1603126 (VCV001603126.27), dbSNP rs947635621, ClinGen allele CA150802761.
Genomic context (GRCh38, chr6:156,778,827, plus strand): 5'-ATGGACCCCCTGCAGAACTCCCACGAAGGGTACCCCAACAGCCAGTGCAACCATTATCCG[G>A]GCTACAGCCGGCCCGGCGCGGGCGGCGGCGGCGGCGGCGGCGGCGGAGGAGGAGGAGGCA-3'
Protein context (NP_001361757.1, residues 373-393): YPNSQCNHYP[Gly383Ser]YSRPGAGGGG